The following is an entry in ClinVar:

ClinVar aggregate classification (germline): Pathogenic (1 of 4 stars; one submission).

Conditions:
Early-infantile DEE. Also called: Early infantile epileptic encephalopathy; Ohtahara syndrome; Early infantile epileptic encephalopathy with suppression bursts. Identifiers: Orphanet 1934, MedGen C0393706, MONDO:0800491.

Submission:

Labcorp Genetics (formerly Invitae), Labcorp
Classification: Pathogenic for Early-infantile DEE. Last evaluated: 2022-06-14. Review status: criteria provided, single submitter. Criteria: Invitae Variant Classification Sherloc (09022015). Collection method: clinical testing. Allele origin: germline.
Comment: For these reasons, this variant has been classified as Pathogenic. Retrotransposon insertions including LINE1 (L1), Alu, and SVA (SINE-VNTR-Alu) have been reported to be disease-causing through disruption of either a coding region or splice site (PMID: 19763152, 20307669, 22406018) and loss-of-function variants in SCN1A are known to be pathogenic (PMID: 17347258, 18930999). This variant has not been reported in the literature in individuals affected with SCN1A-related conditions. This variant is not present in population databases (gnomAD no frequency). This sequence change inserts a large fragment of DNA, likely a transposable element, in exon 2 of the SCN1A gene (c.332_333ins?), causing a frameshift at codon 111 (p.Leu111fs). The exact size and sequence of the insertion cannot be determined by the current assay. However, the insertion is expected to result in an absent or disrupted protein product.

Literature cited by the submitters: PubMed 19763152; PubMed 20307669; PubMed 22406018; PubMed 17347258; PubMed 18930999.

NM_001165963.4(SCN1A):c.332_333insTTTTTTTTTTTTTTTTTTTTNNNNNNNNNNCCTCGTGATCCGCCCGCCTCGGCCTCCCAAAGTGCTGGGATTACAGGCGTGAGCCACCGCGCCCGGCCTGCCCTGTACATTTT (p.Leu111delinsPhePhePhePhePhePhePheXaaXaaXaaXaaLeuValIleArgProProArgProProLysValLeuGlyLeuGlnAlaTer)

Gene: SCN1A (sodium voltage-gated channel alpha subunit 1; minus strand). Cytogenetic location: 2q24.3.
Variant type: Microsatellite.
Coding change: c.332_333insTTTTTTTTTTTTTTTTTTTTNNNNNNNNNNCCTCGTGATCCGCCCGCCTCGGCCTCCCAAAGTGCTGGGATTACAGGCGTGAGCCACCGCGCCCGGCCTGCCCTGTACATTTT on transcript NM_001165963.4 (MANE Select); coding-DNA positions 332 to 333, TTTTTTTTTTTTTTTTTTTTNNNNNNNNNNCCTCGTGATCCGCCCGCCTCGGCCTCCCAAAGTGCTGGGATTACAGGCGTGAGCCACCGCGCCCGGCCTGCCCTGTACATTTT inserted.
Protein change: p.Leu111delinsPhePhePhePhePhePhePheXaaXaaXaaXaaLeuValIleArgProProArgProProLysValLeuGlyLeuGlnAlaTer.
Molecular consequence: nonsense. On other transcripts: 5 prime UTR variant (1), non-coding transcript variant (1).
Genome position: GRCh38: chr2:166,058,621-166,058,636. GRCh37 (hg19): chr2:166,915,131-166,915,146.
Other names: c.332_333insTTTTTTTTTTTTTTTTTTTTNNNNNNNNNNCCTCGTGATCCGCCCGCCTCGGCCTCCCAAAGTGCTGGGATTACAGGCGTGAGCCACCGCGCCCGGCCTGCCCTGTACATTTT, p.Leu111delinsPhePhePhePhePhePhePheXaaXaaXaaXaaLeuValIleArgProProArgProProLysValLeuGlyLeuGlnAlaTer (NM_001165964.3, NM_001202435.3, NM_001353948.2 and 10 more transcripts); c.-2094_-2093insTTTTTTTTTTTTTTTTTTTTNNNNNNNNNNCCTCGTGATCCGCCCGCCTCGGCCTCCCAAAGTGCTGGGATTACAGGCGTGAGCCACCGCGCCCGGCCTGCCCTGTACATTTT (NM_001353961.2).
Identifiers: ClinVar variation 2006442 (VCV002006442.4).